The following is an entry in ClinVar:

NM_001184.4(ATR):c.2532+6T>C

Gene: ATR (ATR checkpoint kinase; minus strand). Cytogenetic location: 3q23.
Variant type: single nucleotide variant.
Coding change: c.2532+6T>C on transcript NM_001184.4 (MANE Select); 6 bases into the intron after coding-DNA position 2532, T replaced by C.
Molecular consequence: intron variant.
Genome position (GRCh38, 1-based): chr3:142,553,819, A>G on the plus strand (T>C on the coding strand, the complement: ATR is on the minus strand). VCF-style: chr3-142553819-A-G. GRCh37 (hg19) VCF-style: chr3-142272661-A-G.
Other names: c.2340+6T>C (NM_001354579.2).
Identifiers: ClinVar variation 2200961 (VCV002200961.4), dbSNP rs2034566906, ClinGen allele CA1407029719.

ClinVar aggregate classification (germline): Uncertain significance (1 of 4 stars; one submission).

Allele frequency attached by ClinVar (database versions not stated): TOPMed below 0.00001.
gnomAD v4.1: 1 of 1,613,326 alleles (0.000062%); no homozygotes.

Submission:

Labcorp Genetics (formerly Invitae), Labcorp
Classification: Uncertain significance. Last evaluated: 2025-11-17. Review status: criteria provided, single submitter. Criteria: Invitae Variant Classification Sherloc (09022015). Collection method: clinical testing. Allele origin: germline.
Comment: This sequence change falls in intron 11 of the ATR gene. It does not directly change the encoded amino acid sequence of the ATR protein. It affects a nucleotide within the consensus splice site. This variant is not present in population databases (gnomAD no frequency). This variant has not been reported in the literature in individuals affected with ATR-related conditions. ClinVar contains an entry for this variant (Variation ID: 2200961). Variants that disrupt the consensus splice site are a relatively common cause of aberrant splicing (PMID: 17576681, 9536098). Algorithms developed to predict the effect of sequence changes on RNA splicing suggest that this variant is not likely to affect RNA splicing. In summary, the available evidence is currently insufficient to determine the role of this variant in disease. Therefore, it has been classified as a Variant of Uncertain Significance.

Literature cited by the submitters: PubMed 17576681; PubMed 9536098.